The following is an entry in ClinVar:

ClinVar aggregate classification (germline): Likely benign (1 of 4 stars; one submission).

Allele frequency attached by ClinVar (database versions not stated): 1000 Genomes Project 0.00020; 1000 Genomes Project 30x 0.00031.
gnomAD v4.1: 20 of 1,612,670 alleles (0.0012%); highest among the groups gnomAD compares: African/African-American, 0.02%; no homozygotes.

Submission:

CeGaT Center for Human Genetics Tuebingen
Classification: Likely benign. Last evaluated: 2022-10-01. Review status: criteria provided, single submitter. Criteria: CeGaT Center For Human Genetics Tuebingen Variant Classification Criteria Version 2. Collection method: clinical testing. Allele origin: germline. Affected: yes. Observed: 1 variant allele.
Comment: BAZ1A: BP4, BP7

NM_013448.3(BAZ1A):c.93C>T (p.Asn31=)

Genes: BAZ1A (bromodomain adjacent to zinc finger domain 1A; minus strand), BAZ1A-AS1 (BAZ1A antisense RNA 1; plus strand). Cytogenetic location: 14q13.2.
Variant type: single nucleotide variant.
Coding change: c.93C>T on transcript NM_013448.3 (MANE Select); coding-DNA position 93, C replaced by T.
Protein change: p.Asn31=; no amino-acid change (asparagine 31 retained).
Molecular consequence: synonymous variant. On other transcripts: non-coding transcript variant (1).
Genome position (GRCh38, 1-based): chr14:34,874,512, G>A on the plus strand (C>T on the coding strand, the complement: BAZ1A is on the minus strand). VCF-style: chr14-34874512-G-A. GRCh37 (hg19) VCF-style: chr14-35343718-G-A.
Other names: c.93C>T, p.Asn31= (NM_182648.2).
Identifiers: ClinVar variation 2644162 (VCV002644162.24), dbSNP rs143651951, ClinGen allele CA7153409.